The following is an entry in ClinVar:

NM_004092.4(ECHS1):c.364C>A (p.His122Asn)

Gene: ECHS1 (enoyl-CoA hydratase, short chain 1; minus strand). Cytogenetic location: 10q26.3.
Variant type: single nucleotide variant.
Coding change: c.364C>A on transcript NM_004092.4 (MANE Select); coding-DNA position 364, C replaced by A.
Protein change: p.His122Asn; replaces histidine 122 with asparagine.
Molecular consequence: missense variant.
Genome position (GRCh38, 1-based): chr10:133,369,954, G>T on the plus strand (C>A on the coding strand, the complement: ECHS1 is on the minus strand). VCF-style: chr10-133369954-G-T. GRCh37 (hg19) VCF-style: chr10-135183458-G-T.
Other names: short protein forms H122N.
Identifiers: ClinVar variation 3005454 (VCV003005454.3), dbSNP rs1192519981, ClinGen allele CA378821498.

ClinVar aggregate classification (germline): Uncertain significance (1 of 4 stars; one submission).

Allele frequency attached by ClinVar (database versions not stated): gnomAD 0.00001.
gnomAD v4.1: 2 of 1,613,760 alleles (0.00012%); highest among the groups gnomAD compares: Non-Finnish European, 0.00017%; no homozygotes.

Submission:

Labcorp Genetics (formerly Invitae), Labcorp
Classification: Uncertain significance. Last evaluated: 2025-10-02. Review status: criteria provided, single submitter. Criteria: Invitae Variant Classification Sherloc (09022015). Collection method: clinical testing. Allele origin: germline.
Comment: This sequence change replaces histidine, which is basic and polar, with asparagine, which is neutral and polar, at codon 122 of the ECHS1 protein (p.His122Asn). This variant is present in population databases (no rsID available, gnomAD 0.0009%). This variant has not been reported in the literature in individuals affected with ECHS1-related conditions. ClinVar contains an entry for this variant (Variation ID: 3005454). Invitae Evidence Modeling of protein sequence and biophysical properties (such as structural, functional, and spatial information, amino acid conservation, physicochemical variation, residue mobility, and thermodynamic stability) indicates that this missense variant is not expected to disrupt ECHS1 protein function with a negative predictive value of 80%. In summary, the available evidence is currently insufficient to determine the role of this variant in disease. Therefore, it has been classified as a Variant of Uncertain Significance.